The following is an entry in ClinVar:

NM_001384474.1(LOXHD1):c.883+56C>T

Gene: LOXHD1 (lipoxygenase homology PLAT domains 1; minus strand). Cytogenetic location: 18q21.1.
Variant type: single nucleotide variant.
Coding change: c.883+56C>T on transcript NM_001384474.1 (MANE Select); 56 bases into the intron after coding-DNA position 883, C replaced by T.
Molecular consequence: intron variant.
Genome position (GRCh38, 1-based): chr18:46,604,050, G>A on the plus strand (C>T on the coding strand, the complement: LOXHD1 is on the minus strand). VCF-style: chr18-46604050-G-A. GRCh37 (hg19) VCF-style: chr18-44184013-G-A.
Other names: c.883+56C>T (NM_144612.7).
Identifiers: ClinVar variation 676191 (VCV000676191.2), dbSNP rs115299327, ClinGen allele CA299806222.

ClinVar aggregate classification (germline): Likely benign. Review status: criteria provided, multiple submitters, no conflicts (2 of 4 stars). 2 submissions from 2 submitters: Likely benign (2). Last evaluated 2018-06-13.

Allele frequency attached by ClinVar (database versions not stated): gnomAD 0.00721 and 0.00773; TOPMed 0.00802; 1000 Genomes Project 0.00859; 1000 Genomes Project 30x 0.00921.
gnomAD v4.1: 2,166 of 1,546,146 alleles (0.14%); highest among the groups gnomAD compares: African/African-American, 2.5%; 20 homozygotes.

Submissions (2):

GeneDx
Classification: Likely benign. Last evaluated: 2018-06-13. Review status: criteria provided, single submitter. Criteria: GeneDx Variant Classification (06012015). Collection method: clinical testing. Allele origin: germline. Affected: yes.
Comment: This variant is considered likely benign or benign based on one or more of the following criteria: it is a conservative change, it occurs at a poorly conserved position in the protein, it is predicted to be benign by multiple in silico algorithms, and/or has population frequency not consistent with disease.

Breakthrough Genomics
Classification: Likely benign. Review status: criteria provided, single submitter. Criteria: ACMG Guidelines, 2015. Collection method: not provided. Allele origin: germline. Inheritance: Autosomal recessive inheritance. Affected: yes.